The following is an entry in ClinVar:

NM_001282534.2(KCNK9):c.565G>A (p.Ala189Thr)

Gene: KCNK9 (potassium two pore domain channel subfamily K member 9; minus strand). Cytogenetic location: 8q24.3.
Variant type: single nucleotide variant.
Coding change: c.565G>A on transcript NM_001282534.2 (MANE Select); coding-DNA position 565, G replaced by A.
Protein change: p.Ala189Thr; replaces alanine 189 with threonine.
Molecular consequence: missense variant. On other transcripts: non-coding transcript variant (1).
Genome position (GRCh38, 1-based): chr8:139,618,818, C>T on the plus strand (G>A on the coding strand, the complement: KCNK9 is on the minus strand). VCF-style: chr8-139618818-C-T. GRCh37 (hg19) VCF-style: chr8-140631061-C-T.
Other names: short protein forms A189T.
Identifiers: ClinVar variation 1198832 (VCV001198832.2), dbSNP rs1814683120, ClinGen allele CA372734340.

ClinVar aggregate classification (germline): Likely benign (1 of 4 stars; one submission).

Allele frequency attached by ClinVar (database versions not stated): gnomAD exomes below 0.00001.
gnomAD v4.1: 1 of 1,614,222 alleles (0.000062%); highest among the groups gnomAD compares: Non-Finnish European, 0.000085%; no homozygotes.

Submission:

GeneDx
Classification: Likely benign. Last evaluated: 2020-08-21. Review status: criteria provided, single submitter. Criteria: GeneDx Variant Classification Process June 2021. Collection method: clinical testing. Allele origin: germline. Affected: yes.
Comment: Not observed in large population cohorts (Lek et al., 2016); In silico analysis, which includes protein predictors and evolutionary conservation, supports that this variant does not alter protein structure/function; Has not been previously published as pathogenic or benign to our knowledge